The following is an entry in ClinVar:

NM_001128840.3(CACNA1D):c.3088G>T (p.Ala1030Ser)

Gene: CACNA1D (calcium voltage-gated channel subunit alpha1 D; plus strand). Cytogenetic location: 3p21.1.
Variant type: single nucleotide variant.
Coding change: c.3088G>T on transcript NM_001128840.3 (MANE Select); coding-DNA position 3088, G replaced by T.
Protein change: p.Ala1030Ser; replaces alanine 1030 with serine.
Molecular consequence: missense variant.
Genome position (GRCh38, 1-based): chr3:53,745,705, G>T. VCF-style: chr3-53745705-G-T. GRCh37 (hg19) VCF-style: chr3-53779732-G-T.
Other names: c.3148G>T, p.Ala1050Ser (NM_000720.4); c.3088G>T, p.Ala1030Ser (NM_001128839.3); short protein forms A1030S, A1050S.
Identifiers: ClinVar variation 3361773 (VCV003361773.1).

ClinVar aggregate classification (germline): Uncertain significance (1 of 4 stars; one submission).

Submission:

GeneDx
Classification: Uncertain significance. Last evaluated: 2023-08-03. Review status: criteria provided, single submitter. Criteria: GeneDx Variant Classification Process June 2021. Collection method: clinical testing. Allele origin: germline. Affected: yes.
Comment: Not observed at significant frequency in large population cohorts (gnomAD); In silico analysis supports that this missense variant has a deleterious effect on protein structure/function; Has not been previously published as pathogenic or benign to our knowledge